The following is an entry in ClinVar:

NM_005733.3(KIF20A):c.1860_1861del (p.Glu620fs)

Gene: KIF20A (kinesin family member 20A; plus strand). Cytogenetic location: 5q31.2.
Variant type: Deletion.
Coding change: c.1860_1861del on transcript NM_005733.3 (MANE Select); coding-DNA positions 1860 to 1861, 2 bases deleted (AA; older notation c.1860_1861delAA).
Protein change: p.Glu620fs; shifts the reading frame from glutamic acid 620.
Molecular consequence: frameshift variant.
Genome position (GRCh38, 1-based): chr5:138,185,131-138,185,132, AA deleted; deleting any 2 consecutive bases within chr5:138,185,130-138,185,132 gives the same sequence; the c. name uses the placement nearest the transcript's 3' end. VCF-style (leftmost placement, unchanged base first): chr5-138185129-GAA-G. GRCh37 (hg19) VCF-style: chr5-137520818-GAA-G.
Other names: short protein forms E620fs.
Identifiers: ClinVar variation 1968933 (VCV001968933.5), dbSNP rs772954954, ClinGen allele CA3426744.
Genomic context (GRCh38, chr5:138,185,129, plus strand): 5'-TCTCTTTTCTCCTCTGTTTCTGACAGTGAACATTTGGACACCCAAAAGGAACTATTGGAG[GAA>G]ATGTATGAAGAAAAACTAAATATCCTCAAGGAGTCACTGACAAGTTTTTACCAAGAAGAG-3'

ClinVar aggregate classification (germline): Uncertain significance (1 of 4 stars; one submission).

Submission:

Labcorp Genetics (formerly Invitae), Labcorp
Classification: Uncertain significance. Last evaluated: 2022-04-03. Review status: criteria provided, single submitter. Criteria: Invitae Variant Classification Sherloc (09022015). Collection method: clinical testing. Allele origin: germline.
Comment: This variant has not been reported in the literature in individuals affected with KIF20A-related conditions. In summary, the available evidence is currently insufficient to determine the role of this variant in disease. Therefore, it has been classified as a Variant of Uncertain Significance. This variant is present in population databases (rs772954954, gnomAD no frequency). This sequence change creates a premature translational stop signal (p.Glu620Aspfs*3) in the KIF20A gene. It is expected to result in an absent or disrupted protein product. However, the current clinical and genetic evidence is not sufficient to establish whether loss-of-function variants in KIF20A cause disease.